The following is an entry in ClinVar:

NM_003410.4(ZFX):c.2329C>T (p.Arg777Trp)

Gene: ZFX (zinc finger protein X-linked; plus strand). Cytogenetic location: Xp22.11.
Variant type: single nucleotide variant.
Coding change: c.2329C>T on transcript NM_003410.4 (MANE Select); coding-DNA position 2329, C replaced by T.
Protein change: p.Arg777Trp; replaces arginine 777 with tryptophan.
Molecular consequence: missense variant. On other transcripts: 3 prime UTR variant (1).
Genome position (GRCh38, 1-based): chrX:24,211,287, C>T. VCF-style: chrX-24211287-C-T. GRCh37 (hg19) VCF-style: chrX-24229404-C-T.
Other names: c.2329C>T, p.Arg777Trp (NM_001178084.2, NM_001178085.1); c.1642C>T, p.Arg548Trp (NM_001178086.2); c.*1089C>T (NM_001178095.2); c.2446C>T, p.Arg816Trp (NM_001330327.2); short protein forms R548W, R777W, R816W.
Identifiers: ClinVar variation 4533672 (VCV004533672.6).

ClinVar aggregate classification (germline): Uncertain significance (1 of 4 stars; one submission).

gnomAD v4.1: 7 of 1,211,842 alleles (0.00058%); highest among the groups gnomAD compares: Non-Finnish European, 0.00078%; no homozygotes.

Submission:

CeGaT Center for Human Genetics Tuebingen
Classification: Uncertain significance. Last evaluated: 2025-11-01. Review status: criteria provided, single submitter. Criteria: CeGaT Center For Human Genetics Tuebingen Variant Classification Criteria Version 2. Collection method: clinical testing. Allele origin: germline. Affected: yes. Observed: 1 variant allele.
Comment: ZFX: PM1, PP2